The following is an entry in ClinVar:

ClinVar aggregate classification (germline): Uncertain significance. Review status: criteria provided, multiple submitters, no conflicts (2 of 4 stars). 4 submissions from 4 submitters: Uncertain significance (3). 1 of the submissions does not count toward it. Last evaluated 2024-05-02.

Conditions:
Hereditary cancer-predisposing syndrome. Also called: Hereditary neoplastic syndrome; Neoplastic Syndromes, Hereditary; Tumor predisposition; Hereditary Cancer Syndrome. Identifiers: Orphanet 140162, MedGen C0027672, MeSH D009386, MONDO:0015356.
Microcephaly, normal intelligence and immunodeficiency (NBS). Also called: IMMUNODEFICIENCY, MICROCEPHALY, AND CHROMOSOMAL INSTABILITY; SEEMANOVA SYNDROME II; Nijmegen breakage syndrome; Microcephaly with normal intelligence immunodeficiency and lymphoreticular malignancies; Nonsyndromal microcephaly autosomal recessive with normal intelligence; Seemanova syndrome 2. Identifiers: Orphanet 647, MedGen C0398791, MONDO:0009623, OMIM 251260.

gnomAD v4.1: 3 of 1,613,878 alleles (0.00019%); highest among the groups gnomAD compares: Non-Finnish European, 0.00017%; no homozygotes.

Submissions (4):

Ambry Genetics
Classification: Uncertain significance for Hereditary cancer-predisposing syndrome. Last evaluated: 2024-05-02. Review status: criteria provided, single submitter. Criteria: Ambry Variant Classification Scheme 2023. Collection method: clinical testing. Allele origin: germline.
Comment: The p.N428I variant (also known as c.1283A>T), located in coding exon 10 of the NBN gene, results from an A to T substitution at nucleotide position 1283. The asparagine at codon 428 is replaced by isoleucine, an amino acid with dissimilar properties. This amino acid position is poorly conserved in available vertebrate species. In addition, this alteration is predicted to be tolerated by in silico analysis. Since supporting evidence is limited at this time, the clinical significance of this alteration remains unclear.

Labcorp Genetics (formerly Invitae), Labcorp
Classification: Uncertain significance for Microcephaly, normal intelligence and immunodeficiency. Last evaluated: 2023-09-03. Review status: criteria provided, single submitter. Criteria: Invitae Variant Classification Sherloc (09022015). Collection method: clinical testing. Allele origin: germline.
Comment: In summary, the available evidence is currently insufficient to determine the role of this variant in disease. Therefore, it has been classified as a Variant of Uncertain Significance. An algorithm developed to predict the effect of missense changes on protein structure and function (PolyPhen-2) suggests that this variant¬†is likely to be tolerated. ClinVar contains an entry for this variant (Variation ID: 461499). This variant has not been reported in the literature in individuals affected with NBN-related conditions. This variant is not present in population databases (gnomAD no frequency). This sequence change replaces asparagine, which is neutral and polar, with isoleucine, which is neutral and non-polar, at codon 428 of the NBN protein (p.Asn428Ile).

Genome-Nilou Lab
Classification: Uncertain significance for Microcephaly, normal intelligence and immunodeficiency. Last evaluated: 2021-11-07. Review status: criteria provided, single submitter. Criteria: ACMG Guidelines, 2015. Collection method: clinical testing. Allele origin: germline. Affected: no.

Natera, Inc.
Classification: Uncertain significance for Nijmegen breakage syndrome. Last evaluated: 2021-07-28. Review status: no assertion criteria provided. Collection method: clinical testing. Allele origin: germline. Not counted in ClinVar's aggregate classification.

NM_002485.5(NBN):c.1283A>T (p.Asn428Ile)

Gene: NBN (nibrin; minus strand). Cytogenetic location: 8q21.3.
Variant type: single nucleotide variant.
Coding change: c.1283A>T on transcript NM_002485.5 (MANE Select); coding-DNA position 1283, A replaced by T.
Protein change: p.Asn428Ile; replaces asparagine 428 with isoleucine.
Molecular consequence: missense variant.
Genome position (GRCh38, 1-based): chr8:89,955,397, T>A on the plus strand (A>T on the coding strand, the complement: NBN is on the minus strand). VCF-style: chr8-89955397-T-A. GRCh37 (hg19) VCF-style: chr8-90967625-T-A.
Other names: c.1037A>T, p.Asn346Ile (NM_001024688.3); short protein forms N428I, N346I.
Identifiers: ClinVar variation 461499 (VCV000461499.21), dbSNP rs1406123091, ClinGen allele CA371656201.